The following is an entry in ClinVar:

ClinVar aggregate classification (germline): Uncertain significance (1 of 4 stars; one submission).

gnomAD v4.1: 14 of 1,614,028 alleles (0.00087%); highest among the groups gnomAD compares: Non-Finnish European, 0.0011%; no homozygotes.

Submission:

Labcorp Genetics (formerly Invitae), Labcorp
Classification: Uncertain significance. Last evaluated: 2025-11-28. Review status: criteria provided, single submitter. Criteria: Invitae Variant Classification Sherloc (09022015). Collection method: clinical testing. Allele origin: germline.
Comment: This sequence change replaces isoleucine, which is neutral and non-polar, with valine, which is neutral and non-polar, at codon 2983 of the VPS13A protein (p.Ile2983Val). This variant is not present in population databases (gnomAD no frequency). This variant has not been reported in the literature in individuals affected with VPS13A-related conditions. An algorithm developed to predict the effect of missense changes on protein structure and function (PolyPhen-2) suggests that this variant is likely to be disruptive. In summary, the available evidence is currently insufficient to determine the role of this variant in disease. Therefore, it has been classified as a Variant of Uncertain Significance.

NM_033305.3(VPS13A):c.8947A>G (p.Ile2983Val)

Gene: VPS13A (vacuolar protein sorting 13 homolog A; plus strand). Cytogenetic location: 9q21.2.
Variant type: single nucleotide variant.
Coding change: c.8947A>G on transcript NM_033305.3 (MANE Select); coding-DNA position 8947, A replaced by G.
Protein change: p.Ile2983Val; replaces isoleucine 2983 with valine.
Molecular consequence: missense variant.
Genome position (GRCh38, 1-based): chr9:77,370,929, A>G. VCF-style: chr9-77370929-A-G. GRCh37 (hg19) VCF-style: chr9-79985845-A-G.
Other names: c.8830A>G, p.Ile2944Val (NM_001018037.2); c.8947A>G, p.Ile2983Val (NM_001018038.3, NM_015186.4); short protein forms I2944V, I2983V.
Identifiers: ClinVar variation 4801480 (VCV004801480.1).